The following is an entry in ClinVar:

ClinVar aggregate classification (germline): Pathogenic. Review status: reviewed by expert panel (3 of 4 stars). 6 submissions from 6 submitters: Pathogenic (1). 5 of the submissions do not count toward it. Last evaluated 2016-09-08.

Conditions:
BRCA1-related disorder. Also called: BRCA1-related condition.
Hereditary cancer-predisposing syndrome. Also called: Hereditary Cancer Syndrome; Hereditary neoplastic syndrome; Neoplastic Syndromes, Hereditary; Tumor predisposition. Identifiers: Orphanet 140162, MedGen C0027672, MeSH D009386, MONDO:0015356.
Breast-ovarian cancer, familial, susceptibility to, 1 (BROVCA1). Also called: BRCA1 Hereditary Breast and Ovarian Cancer; OVARIAN CANCER, SUSCEPTIBILITY TO. Identifiers: Orphanet 145, MedGen C2676676, MONDO:0011450, OMIM 604370. Disease mechanism: loss of function.
Hereditary breast ovarian cancer syndrome. Also called: BRCA1- and BRCA2-Associated Hereditary Breast and Ovarian Cancer; Hereditary breast and ovarian cancer syndrome; Hereditary breast and ovarian cancer syndrome (HBOC); Breast and ovarian cancer; Hereditary breast and/or ovarian cancer syndrome; Hereditary breast and ovarian cancer. Identifiers: Orphanet 145, MedGen C0677776, MeSH D061325, MONDO:0003582. Disease mechanism: loss of function.

gnomAD v4.1: 2 of 1,613,612 alleles (0.00012%); no homozygotes.

Submissions (6):

Evidence-based Network for the Interpretation of Germline Mutant Alleles (ENIGMA)
Classification: Pathogenic for Breast-ovarian cancer, familial, susceptibility to, 1. Last evaluated: 2016-09-08. Review status: reviewed by expert panel. Criteria: ENIGMA BRCA1/2 Classification Criteria (2015). Collection method: curation. Allele origin: germline.
Comment: Variant allele predicted to encode a truncated non-functional protein.

Color Diagnostics, LLC DBA Color Health
Classification: Pathogenic for Hereditary cancer-predisposing syndrome. Last evaluated: 2023-02-07. Review status: criteria provided, single submitter. Criteria: ACMG Guidelines, 2015. Collection method: clinical testing. Allele origin: germline. Not counted in ClinVar's aggregate classification.
Comment: This variant changes 1 nucleotide in exon 13 of the BRCA1 gene, creating a premature translation stop signal. This variant is expected to result in an absent or non-functional protein product. This variant has been reported in at least two individuals affected with high-risk breast cancer and/or ovarian cancer (PMID: 15642173, 28727877) and in suspected hereditary breast and ovarian cancer families (PMID: 27376475, 29483665, 29446198). This variant has not been identified in the general population by the Genome Aggregation Database (gnomAD). Loss of BRCA1 function is a known mechanism of disease. Based on the available evidence, this variant is classified as Pathogenic.

Labcorp Genetics (formerly Invitae), Labcorp
Classification: Pathogenic for Hereditary breast ovarian cancer syndrome. Last evaluated: 2021-10-13. Review status: criteria provided, single submitter. Criteria: Invitae Variant Classification Sherloc (09022015). Collection method: clinical testing. Allele origin: germline. Not counted in ClinVar's aggregate classification.
Comment: For these reasons, this variant has been classified as Pathogenic. ClinVar contains an entry for this variant (Variation ID: 55209). This variant is also known as 4599G>T. This premature translational stop signal has been observed in individual(s) with a personal and/or family history of breast and/or ovarian cancer (PMID: 15642173, 29446198). This variant is not present in population databases (ExAC no frequency). This sequence change creates a premature translational stop signal (p.Glu1494*) in the BRCA1 gene. It is expected to result in an absent or disrupted protein product. Loss-of-function variants in BRCA1 are known to be pathogenic (PMID: 20104584).

Blueprint Genetics
Classification: Pathogenic for BRCA1-related disorders. Last evaluated: 2018-01-11. Review status: criteria provided, single submitter. Criteria: ACMG Guidelines, 2015. Collection method: clinical testing. Allele origin: germline. Affected: yes. Observed: 2 variant alleles. Not counted in ClinVar's aggregate classification.

Consortium of Investigators of Modifiers of BRCA1/2 (CIMBA), c/o University of Cambridge
Classification: Pathogenic for Breast-ovarian cancer, familial, susceptibility to, 1. Last evaluated: 2015-10-02. Review status: criteria provided, single submitter. Criteria: CIMBA Mutation Classification guidelines May 2016. Collection method: clinical testing. Allele origin: germline. Not counted in ClinVar's aggregate classification.

Breast Cancer Information Core (BIC) (BRCA1)
Classification: Pathogenic for Breast-ovarian cancer, familial 1. Last evaluated: 2002-05-29. Review status: no assertion criteria provided. Collection method: clinical testing. Allele origin: germline. Affected: yes. Observed: 1 variant allele. Not counted in ClinVar's aggregate classification.

Literature cited by the submitters: PubMed 15642173 (cited by Color Diagnostics, LLC DBA Color Health and Labcorp Genetics (formerly Invitae), Labcorp); PubMed 27376475 (cited by Color Diagnostics, LLC DBA Color Health); PubMed 28727877 (cited by Color Diagnostics, LLC DBA Color Health); PubMed 29446198 (cited by Color Diagnostics, LLC DBA Color Health and Labcorp Genetics (formerly Invitae), Labcorp); PubMed 29483665 (cited by Color Diagnostics, LLC DBA Color Health); PubMed 20104584 (cited by Labcorp Genetics (formerly Invitae), Labcorp).

NM_007294.4(BRCA1):c.4480G>T (p.Glu1494Ter)

Gene: BRCA1 (BRCA1 DNA repair associated; minus strand). Cytogenetic location: 17q21.31.
Variant type: single nucleotide variant.
Coding change: c.4480G>T on transcript NM_007294.4 (MANE Select); coding-DNA position 4480, G replaced by T.
Protein change: p.Glu1494Ter; replaces glutamic acid 1494 with a stop codon.
Molecular consequence: nonsense. On other transcripts: non-coding transcript variant (1).
Genome position (GRCh38, 1-based): chr17:43,076,492, C>A on the plus strand (G>T on the coding strand, the complement: BRCA1 is on the minus strand). VCF-style: chr17-43076492-C-A. GRCh37 (hg19) VCF-style: chr17-41228509-C-A.
Other names: c.1045G>T, p.Glu349Ter (NM_001408433.1, NM_001408434.1, NM_001408435.1 and 10 more transcripts); c.4474G>T, p.Glu1492Ter (NM_001407630.1, NM_001407631.1, NM_001407632.1 and 14 more transcripts); c.4354G>T, p.Glu1452Ter (NM_001407671.1, NM_001407672.1, NM_001407673.1 and 11 more transcripts); c.4348G>T, p.Glu1450Ter (NM_001407690.1, NM_001407691.1); c.4339G>T, p.Glu1447Ter (NM_001407692.1, NM_001407694.1, NM_001407695.1 and 13 more transcripts); c.4336G>T, p.Glu1446Ter (NM_001407735.1, NM_001407736.1, NM_001407737.1 and 21 more transcripts); c.4333G>T, p.Glu1445Ter (NM_001407839.1, NM_001407841.1, NM_001407842.1 and 12 more transcripts); c.4279G>T, p.Glu1427Ter (NM_001407862.1); and 68 more; short protein forms E1494*, E1515*, E1447*, E390*, E1365*, E1381*, E1405*, E1427*.
Identifiers: ClinVar variation 55209 (VCV000055209.13), dbSNP rs80357148, ClinGen allele CA002868.